The following is an entry in ClinVar:

NM_001430.5(EPAS1):c.524C>T (p.Thr175Met)

Genes: EPAS1 (endothelial PAS domain protein 1; plus strand), LOC126806210 (BRD4-independent group 4 enhancer GRCh37_chr2:46587586-46588785; plus strand). Cytogenetic location: 2p21.
Variant type: single nucleotide variant.
Coding change: c.524C>T on transcript NM_001430.5 (MANE Select); coding-DNA position 524, C replaced by T.
Protein change: p.Thr175Met; replaces threonine 175 with methionine.
Molecular consequence: missense variant.
Genome position (GRCh38, 1-based): chr2:46,360,707, C>T. VCF-style: chr2-46360707-C-T. GRCh37 (hg19) VCF-style: chr2-46587846-C-T.
Other names: short protein forms T175M.
Identifiers: ClinVar variation 1746344 (VCV001746344.2), dbSNP rs1191011803, ClinGen allele CA346699276.
Genomic context (GRCh38, chr2:46,360,707, plus strand): 5'-TTGGGAAAAAAAGCAAAGACATGTCCACAGAGCGGGACTTCTTCATGAGGATGAAGTGCA[C>T]GGTCACCAACAGAGGCCGTACTGTCAACCTCAAGTCAGCCACCTGGAAGGTAGGGCAACA-3'
Protein context (NP_001421.2, residues 165-185): ERDFFMRMKC[Thr175Met]VTNRGRTVNL

ClinVar aggregate classification (germline): Uncertain significance (1 of 4 stars; one submission).

Conditions:
Inborn genetic diseases. Identifiers: MedGen C0950123, MeSH D030342.

Allele frequency attached by ClinVar (database versions not stated): gnomAD 0.00001; gnomAD exomes 0.00001.
gnomAD v4.1: 19 of 1,613,864 alleles (0.0012%); highest among the groups gnomAD compares: East Asian, 0.0045%; no homozygotes.

Submission:

Ambry Genetics
Classification: Uncertain significance for Inborn genetic diseases. Last evaluated: 2022-09-18. Review status: criteria provided, single submitter. Criteria: Ambry Variant Classification Scheme 2023. Collection method: clinical testing. Allele origin: germline.
Comment: The p.T175M variant (also known as c.524C>T), located in coding exon 5 of the EPAS1 gene, results from a C to T substitution at nucleotide position 524. The threonine at codon 175 is replaced by methionine, an amino acid with similar properties. This amino acid position is conserved. In addition, this alteration is predicted to be tolerated by in silico analysis. Since supporting evidence is limited at this time, the clinical significance of this alteration remains unclear.